The following is an entry in ClinVar:

ClinVar aggregate classification (germline): Uncertain significance (1 of 4 stars; one submission).

Conditions:
Inborn genetic diseases. Identifiers: MedGen C0950123, MeSH D030342.

Allele frequency attached by ClinVar (database versions not stated): TOPMed 0.00002.

Submission:

Ambry Genetics
Classification: Uncertain significance for Inborn genetic diseases. Last evaluated: 2021-06-23. Review status: criteria provided, single submitter. Criteria: Ambry Variant Classification Scheme 2023. Collection method: clinical testing. Allele origin: germline.
Comment: The p.L229S variant (also known as c.686T>C), located in coding exon 6 of the LRRK2 gene, results from a T to C substitution at nucleotide position 686. The leucine at codon 229 is replaced by serine, an amino acid with dissimilar properties. This amino acid position is conserved. In addition, the in silico prediction for this alteration is inconclusive. Since supporting evidence is limited at this time, the clinical significance of this alteration remains unclear.

NM_198578.4(LRRK2):c.686T>C (p.Leu229Ser)

Gene: LRRK2 (leucine rich repeat kinase 2; plus strand). Cytogenetic location: 12q12.
Variant type: single nucleotide variant.
Coding change: c.686T>C on transcript NM_198578.4 (MANE Select); coding-DNA position 686, T replaced by C.
Protein change: p.Leu229Ser; replaces leucine 229 with serine.
Molecular consequence: missense variant.
Genome position (GRCh38, 1-based): chr12:40,240,597, T>C. VCF-style: chr12-40240597-T-C. GRCh37 (hg19) VCF-style: chr12-40634399-T-C.
Other names: short protein forms L229S.
Identifiers: ClinVar variation 1755888 (VCV001755888.2), dbSNP rs1003375963, ClinGen allele CA235353264.